The following is an entry in ClinVar:

ClinVar aggregate classification (germline): Uncertain significance (1 of 4 stars; one submission).

Conditions:
Complex neurodevelopmental disorder. Identifiers: Orphanet 528084, MedGen C5568766, MONDO:0100038.

Submission:

Molecular Genetics, Royal Melbourne Hospital
Classification: Uncertain significance for Complex neurodevelopmental disorder. Last evaluated: 2022-04-22. Review status: criteria provided, single submitter. Criteria: ACMG Guidelines, 2015. Collection method: clinical testing. Allele origin: germline.
Comment: This sequence change is an inframe deletion of 3 bp predicted to cause the deletion of Histidine at position 2315 of the ZNF292 protein, p.(His2315del). The deleted residue is not conserved (100 vertebrates, UCSC), and is not in any domain. The variant is absent from a large population cohort (gnomAD v2.1.1 and v3.0). The variant has not been previously reported in variant databases or the medical literature. Based on the classification guideline RMH ACMG Guidelines v1.2.1, this variant has been classified as a VARIANT OF UNCERTAIN SIGNIFICANCE. The following criteria are met: PM2.

NM_015021.3(ZNF292):c.6944_6946del (p.His2315del)

Gene: ZNF292 (zinc finger protein 292; plus strand). Cytogenetic location: 6q14.3.
Variant type: Deletion.
Coding change: c.6944_6946del on transcript NM_015021.3 (MANE Select); coding-DNA positions 6944 to 6946, 3 bases deleted (ATC; older notation c.6944_6946delATC).
Protein change: p.His2315del; deletes histidine 2315.
Molecular consequence: inframe deletion.
Genome position (GRCh38, 1-based): chr6:87,260,573-87,260,575, ATC deleted; deleting any 3 consecutive bases within chr6:87,260,572-87,260,575 gives the same sequence; the c. name uses the placement nearest the transcript's 3' end. VCF-style (leftmost placement, unchanged base first): chr6-87260571-ACAT-A. GRCh37 (hg19) VCF-style: chr6-87970289-ACAT-A.
Other names: c.6524_6526del, p.His2175del (NM_001351444.2); c.6944_6946delATC (NM_015021.3); short protein forms H2175del, H2315del.
Identifiers: ClinVar variation 1678643 (VCV001678643.2), dbSNP rs2127874099, ClinGen allele CA1139532357.